The following is an entry in ClinVar:

NM_004453.4(ETFDH):c.1079C>T (p.Ala360Val)

Gene: ETFDH (electron transfer flavoprotein dehydrogenase; plus strand). Cytogenetic location: 4q32.1.
Variant type: single nucleotide variant.
Coding change: c.1079C>T on transcript NM_004453.4 (MANE Select); coding-DNA position 1079, C replaced by T.
Protein change: p.Ala360Val; replaces alanine 360 with valine.
Molecular consequence: missense variant.
Genome position (GRCh38, 1-based): chr4:158,699,093, C>T. VCF-style: chr4-158699093-C-T. GRCh37 (hg19) VCF-style: chr4-159620245-C-T.
Other names: p.A360V:GCA>GTA; c.938C>T, p.Ala313Val (NM_001281737.2); c.896C>T, p.Ala299Val (NM_001281738.1); short protein forms A360V, A299V, A313V.
Identifiers: ClinVar variation 203721 (VCV000203721.5), dbSNP rs776428695, ClinGen allele CA312541.
Genomic context (GRCh38, chr4:158,699,093, plus strand): 5'-TCCAAAGGTGGAAACACCATCCTAGCATTCGGCCAACCTTGGAAGGTGGAAAAAGGATTG[C>T]ATACGGAGCCAGAGCTCTCAATGAAGGTGGCTTTCAGGTAACTCTTCCAACTTTTATTTT-3'
Protein context (NP_004444.2, residues 350-370): RPTLEGGKRI[Ala360Val]YGARALNEGG

ClinVar aggregate classification (germline): Conflicting classifications of pathogenicity. Review status: criteria provided, conflicting classifications (1 of 4 stars). 3 submissions from 3 submitters: Likely pathogenic (1); Uncertain significance (2). Last evaluated 2022-08-26.

Conditions:
Multiple acyl-CoA dehydrogenase deficiency (MADD). Also called: ETHYLMALONIC-ADIPICACIDURIA; GA II; Glutaric aciduria, type 2; Glutaric acidemia type II; GA 2; Glutaric Acidemia type 2. Identifiers: Orphanet 26791, MedGen C0268596, MONDO:0009282, OMIM 231680.

Allele frequency attached by ClinVar (database versions not stated): TOPMed 0.00003; ExAC 0.00004; gnomAD exomes 0.00004 and 0.00002; gnomAD 0.00001 and 0.00002.
gnomAD v4.1: 68 of 1,613,834 alleles (0.0042%); highest among the groups gnomAD compares: Non-Finnish European, 0.0053%; no homozygotes.

Submissions (3):

Labcorp Genetics (formerly Invitae), Labcorp
Classification: Uncertain significance for Multiple acyl-CoA dehydrogenase deficiency. Last evaluated: 2022-08-26. Review status: criteria provided, single submitter. Criteria: Invitae Variant Classification Sherloc (09022015). Collection method: clinical testing. Allele origin: germline.
Comment: This sequence change replaces alanine, which is neutral and non-polar, with valine, which is neutral and non-polar, at codon 360 of the ETFDH protein (p.Ala360Val). This variant is present in population databases (rs776428695, gnomAD 0.007%). This variant has not been reported in the literature in individuals affected with ETFDH-related conditions. ClinVar contains an entry for this variant (Variation ID: 203721). Advanced modeling of protein sequence and biophysical properties (such as structural, functional, and spatial information, amino acid conservation, physicochemical variation, residue mobility, and thermodynamic stability) performed at Invitae indicates that this missense variant is expected to disrupt ETFDH protein function. In summary, the available evidence is currently insufficient to determine the role of this variant in disease. Therefore, it has been classified as a Variant of Uncertain Significance.

Women's Health and Genetics/Laboratory Corporation of America, LabCorp
Classification: Uncertain significance. Last evaluated: 2022-07-29. Review status: criteria provided, single submitter. Criteria: LabCorp Variant Classification Summary - May 2015. Collection method: clinical testing. Allele origin: germline.

GeneDx
Classification: Likely pathogenic. Last evaluated: 2014-03-03. Review status: criteria provided, single submitter. Criteria: GeneDx Variant Classification (06012015). Collection method: clinical testing. Allele origin: germline. Affected: yes.
Comment: p.Ala360Val (GCA>GTA): c.1079 C>T in exon 9 of the ETFDH gene (NM_004453.2) A360V variant that is likely pathogenic was identified in the ETFDH gene. It has not been published as a mutation, nor has it been reported as a benign polymorphism to our knowledge. The A360V variant is a conservative amino acid substitution, which is not likely to impact secondary protein structure as these residues share similar properties. This substitution occurs at a position that is conserved across species. In silico analysis predicts this variant is probably damaging to the protein structure/function. Therefore, this variant is a strong candidate for a pathogenic mutation, however the possibility that it is a benign variant cannot be excluded. The variant is found in MITONUC-MITOP panel(s).